The following is an entry in ClinVar:

ClinVar aggregate classification (germline): Uncertain significance (1 of 4 stars; one submission).

Conditions:
Hereditary spastic paraplegia 11. Also called: Nakamura Osame syndrome; Autosomal recessive hereditary spastic paraplegia, mental impairment, and thin corpus callosum; Spastic Paraplegia 11; Spastic paraplegia, mental retardation and thin corpus callosum; SPASTIC PARAPLEGIA, AUTOSOMAL RECESSIVE, COMPLICATED, WITH THIN CORPUS CALLOSUM; SPASTIC PARAPLEGIA, AUTOSOMAL RECESSIVE, WITH MENTAL IMPAIRMENT AND THIN CORPUS CALLOSUM. Identifiers: Orphanet 2822, MedGen C1858479, MONDO:0011445, OMIM 604360.

Submission:

Labcorp Genetics (formerly Invitae), Labcorp
Classification: Uncertain significance for Hereditary spastic paraplegia 11. Last evaluated: 2023-06-29. Review status: criteria provided, single submitter. Criteria: Invitae Variant Classification Sherloc (09022015). Collection method: clinical testing. Allele origin: germline.
Comment: In summary, the available evidence is currently insufficient to determine the role of this variant in disease. Therefore, it has been classified as a Variant of Uncertain Significance. This variant has not been reported in the literature in individuals affected with SPG11-related conditions. This variant results in a copy number gain of the genomic region encompassing exon(s) 29-40 of the SPG11 gene. This region includes the termination codon of the gene. This copy number gain extends beyond the assayed region for this gene and therefore may encompass additional genes. As the precise location of this event is unknown, it may be in tandem or it may be located elsewhere in the genome.

NC_000015.9:g.(?_44855319)_(44878413_?)dup

Gene: SPG11 (SPG11 vesicle trafficking associated, spatacsin; minus strand). Cytogenetic location: 15q21.1.
Variant type: Duplication.
Identifiers: ClinVar variation 2426923 (VCV002426923.4).